The following is an entry in ClinVar:

ClinVar aggregate classification (germline): Uncertain significance. Review status: criteria provided, multiple submitters, no conflicts (2 of 4 stars). 2 submissions from 2 submitters: Uncertain significance (2). Last evaluated 2023-07-23.

Conditions:
Pitt-Hopkins-like syndrome 2 (PTHSL2). Identifiers: Orphanet 221150, Orphanet 600663, MedGen C3280479, MONDO:0013690, OMIM 614325.

Submissions (2):

GeneDx
Classification: Uncertain significance. Last evaluated: 2023-07-23. Review status: criteria provided, single submitter. Criteria: GeneDx Variant Classification Process June 2021. Collection method: clinical testing. Allele origin: germline. Affected: yes.
Comment: Not observed at significant frequency in large population cohorts (gnomAD); In silico analysis supports that this missense variant has a deleterious effect on protein structure/function; Has not been previously published as pathogenic or benign to our knowledge

Labcorp Genetics (formerly Invitae), Labcorp
Classification: Uncertain significance for Pitt-Hopkins-like syndrome 2. Last evaluated: 2022-03-01. Review status: criteria provided, single submitter. Criteria: Invitae Variant Classification Sherloc (09022015). Collection method: clinical testing. Allele origin: germline.
Comment: In summary, the available evidence is currently insufficient to determine the role of this variant in disease. Therefore, it has been classified as a Variant of Uncertain Significance. Algorithms developed to predict the effect of missense changes on protein structure and function are either unavailable or do not agree on the potential impact of this missense change (SIFT: "Tolerated"; PolyPhen-2: "Possibly Damaging"; Align-GVGD: "Class C0"). This variant has not been reported in the literature in individuals affected with NRXN1-related conditions. This variant is not present in population databases (gnomAD no frequency). This sequence change replaces glutamine, which is neutral and polar, with lysine, which is basic and polar, at codon 1135 of the NRXN1 protein (p.Gln1135Lys).

NM_001330078.2(NRXN1):c.3283C>A (p.Gln1095Lys)

Gene: NRXN1 (neurexin 1; minus strand). Cytogenetic location: 2p16.3.
Variant type: single nucleotide variant.
Coding change: c.3283C>A on transcript NM_001330078.2 (MANE Select); coding-DNA position 3283, C replaced by A.
Protein change: p.Gln1095Lys; replaces glutamine 1095 with lysine.
Molecular consequence: missense variant.
Genome position (GRCh38, 1-based): chr2:50,465,523, G>T on the plus strand (C>A on the coding strand, the complement: NRXN1 is on the minus strand). VCF-style: chr2-50465523-G-T. GRCh37 (hg19) VCF-style: chr2-50692661-G-T.
Other names: c.3403C>A, p.Gln1135Lys (NM_001135659.3); c.3259C>A, p.Gln1087Lys (NM_001330077.2, NM_001330082.2); c.3217C>A, p.Gln1073Lys (NM_001330083.2, NM_001330084.2); c.3256C>A, p.Gln1086Lys (NM_001330085.2); c.3283C>A, p.Gln1095Lys (NM_001330086.2, NM_004801.6); c.3172C>A, p.Gln1058Lys (NM_001330087.2, NM_001330096.2); c.3202C>A, p.Gln1068Lys (NM_001330088.2); c.3280C>A, p.Gln1094Lys (NM_001330093.2); and 3 more; short protein forms Q1068K, Q1073K, Q1087K, Q1091K, Q1094K, Q1135K, Q1086K, Q1095K.
Identifiers: ClinVar variation 2105505 (VCV002105505.5), dbSNP rs2088730897, ClinGen allele CA346770728.